The following is an entry in ClinVar:

ClinVar aggregate classification (germline): Likely pathogenic. Review status: criteria provided, single submitter (1 of 4 stars). 2 submissions from 2 submitters: Likely pathogenic (1). 1 of the submissions does not count toward it. Last evaluated 2024-10-17.

Conditions:
Charlevoix-Saguenay spastic ataxia (SACS). Also called: Spastic ataxia of Charlevoix-Saguenay; SPASTIC ATAXIA 6, AUTOSOMAL RECESSIVE; AUTOSOMAL RECESSIVE SPASTIC ATAXIA OF CHARLEVOIX-SAGUENAY. Identifiers: Orphanet 98, MedGen C1849140, MONDO:0010041, OMIM 270550.

Submissions (2):

Natera, Inc.
Classification: Likely pathogenic for Charlevoix-Saguenay type spastic ataxia. Last evaluated: 2024-10-17. Review status: criteria provided, single submitter. Criteria: Natera Variant Classification Schema (03/2026). Collection method: clinical testing. Allele origin: germline.
Comment: The c.8612dup variant in SACS is a frameshift variant predicted to shift the reading frame beginning at codon 2871 and leads to a stop codon 29 codons downstream. This variant is expected to result in nonsense mediated decay, truncation, or a dysfunctional protein product. This variant is rare in the general population with a frequency below the threshold expected for the associated phenotype(s). Given the available evidence, this variant is classified as Likely Pathogenic.

Counsyl
Classification: Likely pathogenic for Charlevoix-Saguenay spastic ataxia. Last evaluated: 2016-09-07. Review status: no assertion criteria provided. Collection method: clinical testing. Allele origin: unknown. Not counted in ClinVar's aggregate classification.

NM_014363.6(SACS):c.8612dup (p.Leu2871fs)

Gene: SACS (sacsin molecular chaperone; minus strand). Cytogenetic location: 13q12.12.
Variant type: Duplication.
Coding change: c.8612dup on transcript NM_014363.6 (MANE Select); coding-DNA position 8612, one base duplicated (T; older notation c.8612dupT).
Protein change: p.Leu2871fs; shifts the reading frame from leucine 2871.
Molecular consequence: frameshift variant.
Genome position (GRCh38, 1-based): chr13:23,335,264, A duplicated on the plus strand (T on the coding strand, the reverse complement: SACS is on the minus strand); the first of 6 consecutive A bases (chr13:23,335,264-23,335,269); duplicating any one gives the same sequence. VCF-style (leftmost placement, unchanged base first): chr13-23335263-C-CA. GRCh37 (hg19) VCF-style: chr13-23909402-C-CA.
Other names: c.8171dup, p.Leu2724fs (NM_001278055.2); c.8612dup (NM_014363.5); short protein forms L2871fs, L2724fs.
Identifiers: ClinVar variation 371360 (VCV000371360.4), dbSNP rs1057517212, ClinGen allele CA16041616.